The following is an entry in ClinVar:

NM_001366145.2(TRPM3):c.4390G>T (p.Asp1464Tyr)

Genes: TRPM3 (transient receptor potential cation channel subfamily M member 3; minus strand), KLF9-DT (KLF9 divergent transcript; plus strand). Cytogenetic location: 9q21.12.
Variant type: single nucleotide variant.
Coding change: c.4390G>T on transcript NM_001366145.2 (MANE Select); coding-DNA position 4390, G replaced by T.
Protein change: p.Asp1464Tyr; replaces aspartic acid 1464 with tyrosine.
Molecular consequence: missense variant. On other transcripts: intron variant (8).
Genome position (GRCh38, 1-based): chr9:70,536,723, C>A on the plus strand (G>T on the coding strand, the complement: TRPM3 is on the minus strand). VCF-style: chr9-70536723-C-A. GRCh37 (hg19) VCF-style: chr9-73151639-C-A.
Other names: c.4354G>T, p.Asp1452Tyr (NM_001007471.4); c.4360G>T, p.Asp1454Tyr (NM_001366141.2, NM_001366149.2); c.4465G>T, p.Asp1489Tyr (NM_001366147.2); c.3895G>T, p.Asp1299Tyr (NM_020952.6); c.3931G>T, p.Asp1311Tyr (NM_024971.7); c.3865G>T, p.Asp1289Tyr (NM_206944.5); c.3901G>T, p.Asp1301Tyr (NM_206945.5); c.3970G>T, p.Asp1324Tyr (NM_206946.5); and 9 more; short protein forms D1289Y, D1324Y, D1299Y, D1301Y, D1489Y, D1314Y, D1454Y, D1464Y.
Identifiers: ClinVar variation 5010071 (VCV005010071.1).
Genomic context (GRCh38, chr9:70,536,723, plus strand): 5'-AAGATCTAGTGTCCATGGAGGTGATGTCCTCAAAATCAATGCTCCGGCTTGGAGGTCTGT[C>A]TGTGGGTGCAAGTGTTGCATAGGCACTACTTGAAGGGGCTGTGGAAGGTACTGGAGTTGA-3'
Protein context (NP_001353074.1, residues 1454-1474): SSAYATLAPT[Asp1464Tyr]RPPSRSIDFE

ClinVar aggregate classification (germline): Uncertain significance (1 of 4 stars; one submission).

gnomAD v4.1: 1 of 1,614,110 alleles (0.000062%); highest among the groups gnomAD compares: Non-Finnish European, 0.000085%; no homozygotes.

Submission:

GeneDx
Classification: Uncertain significance. Last evaluated: 2026-02-23. Review status: criteria provided, single submitter. Criteria: GeneDx Variant Classification Process June 2021. Collection method: clinical testing. Allele origin: germline.
Comment: Not observed at significant frequency in large population cohorts (gnomAD); In silico analysis suggests that this missense variant does not alter protein structure/function; Has not been previously published as pathogenic or benign to our knowledge